The following is an entry in ClinVar:

ClinVar aggregate classification (germline): Uncertain significance (1 of 4 stars; one submission).

Conditions:
Peroxisome biogenesis disorder 7A (Zellweger). Also called: Peroxisome biogenesis disorder 7A. Identifiers: Orphanet 912, MedGen C3888385, MONDO:0013938, OMIM 614872.
Peroxisome biogenesis disorder 7B (PBD7B). Identifiers: Orphanet 44, MedGen C3553951, MONDO:0013939, OMIM 614873.

Allele frequency attached by ClinVar (database versions not stated): gnomAD exomes below 0.00001.
gnomAD v4.1: 1 of 1,614,128 alleles (0.000062%); highest among the groups gnomAD compares: Non-Finnish European, 0.000085%; no homozygotes.

Submission:

Labcorp Genetics (formerly Invitae), Labcorp
Classification: Uncertain significance for Peroxisome biogenesis disorder 7A (Zellweger); Peroxisome biogenesis disorder 7B. Last evaluated: 2019-11-28. Review status: criteria provided, single submitter. Criteria: Invitae Variant Classification Sherloc (09022015). Collection method: clinical testing. Allele origin: germline.
Comment: In summary, the available evidence is currently insufficient to determine the role of this variant in disease. Therefore, it has been classified as a Variant of Uncertain Significance. Algorithms developed to predict the effect of missense changes on protein structure and function (SIFT, PolyPhen-2, Align-GVGD) all suggest that this variant is likely to be tolerated, but these predictions have not been confirmed by published functional studies and their clinical significance is uncertain. This variant has not been reported in the literature in individuals with PEX26-related conditions. This variant is not present in population databases (ExAC no frequency). This sequence change replaces valine with leucine at codon 112 of the PEX26 protein (p.Val112Leu). The valine residue is moderately conserved and there is a small physicochemical difference between valine and leucine.

NM_001127649.3(PEX26):c.334G>C (p.Val112Leu)

Gene: PEX26 (peroxisomal biogenesis factor 26; plus strand). Cytogenetic location: 22q11.21.
Variant type: single nucleotide variant.
Coding change: c.334G>C on transcript NM_001127649.3 (MANE Select); coding-DNA position 334, G replaced by C.
Protein change: p.Val112Leu; replaces valine 112 with leucine.
Molecular consequence: missense variant.
Genome position (GRCh38, 1-based): chr22:18,079,977, G>C. VCF-style: chr22-18079977-G-C. GRCh37 (hg19) VCF-style: chr22-18562743-G-C.
Other names: c.334G>C, p.Val112Leu (NM_001199319.2, NM_017929.6); short protein forms V112L.
Identifiers: ClinVar variation 844366 (VCV000844366.9), dbSNP rs1926486603, ClinGen allele CA410265828.